The following is an entry in ClinVar:

NM_012470.4(TNPO3):c.1201A>G (p.Met401Val)

Gene: TNPO3 (transportin 3; minus strand). Cytogenetic location: 7q32.1.
Variant type: single nucleotide variant.
Coding change: c.1201A>G on transcript NM_012470.4 (MANE Select); coding-DNA position 1201, A replaced by G.
Protein change: p.Met401Val; replaces methionine 401 with valine.
Molecular consequence: missense variant. On other transcripts: non-coding transcript variant (18), intron variant (1).
Genome position (GRCh38, 1-based): chr7:128,993,872, T>C on the plus strand (A>G on the coding strand, the complement: TNPO3 is on the minus strand). VCF-style: chr7-128993872-T-C. GRCh37 (hg19) VCF-style: chr7-128633926-T-C.
Other names: c.1201A>G, p.Met401Val (NM_001191028.3, NM_001382216.1, NM_001382218.1 and 2 more transcripts); c.1282A>G, p.Met428Val (NM_001382217.1); c.1057A>G, p.Met353Val (NM_001382221.1); c.1054A>G, p.Met352Val (NM_001382222.1); c.1159-1782A>G (NM_001382219.1); short protein forms M353V, M352V, M401V, M428V.
Identifiers: ClinVar variation 2913807 (VCV002913807.3), dbSNP rs1232063205, ClinGen allele CA369232541.
Genomic context (GRCh38, chr7:128,993,872, plus strand): 5'-CAAAACACTCCATAGACCCTATCAAGAAAATCAAGTCCTTTACCAGGTCTGATACCCTCA[T>C]GCGAAACTCCCCAAAGTCATCAGTCTCCTCAGGAACCCCCTCCTAAAATATCAAATCAGA-3'
Protein context (NP_036602.1, residues 391-411): EETDDFGEFR[Met401Val]RVSDLVKDLI

ClinVar aggregate classification (germline): Uncertain significance (1 of 4 stars; one submission).

Conditions:
Autosomal dominant limb-girdle muscular dystrophy type 1F (LGMDD2). Also called: Limb-girdle muscular dystrophy, type 1F; MUSCULAR DYSTROPHY, LIMB-GIRDLE, AUTOSOMAL DOMINANT 2. Identifiers: Orphanet 55595, MedGen C1842062, MONDO:0012034, OMIM 608423.

Allele frequency attached by ClinVar (database versions not stated): TOPMed below 0.00001.
gnomAD v4.1: 7 of 1,614,108 alleles (0.00043%); highest among the groups gnomAD compares: Non-Finnish European, 0.00059%; no homozygotes.

Submission:

Labcorp Genetics (formerly Invitae), Labcorp
Classification: Uncertain significance for Autosomal dominant limb-girdle muscular dystrophy type 1F. Last evaluated: 2023-04-27. Review status: criteria provided, single submitter. Criteria: Invitae Variant Classification Sherloc (09022015). Collection method: clinical testing. Allele origin: germline.
Comment: In summary, the available evidence is currently insufficient to determine the role of this variant in disease. Therefore, it has been classified as a Variant of Uncertain Significance. Advanced modeling of protein sequence and biophysical properties (such as structural, functional, and spatial information, amino acid conservation, physicochemical variation, residue mobility, and thermodynamic stability) performed at Invitae indicates that this missense variant is not expected to disrupt TNPO3 protein function. This variant has not been reported in the literature in individuals affected with TNPO3-related conditions. This variant is not present in population databases (gnomAD no frequency). This sequence change replaces methionine, which is neutral and non-polar, with valine, which is neutral and non-polar, at codon 401 of the TNPO3 protein (p.Met401Val).